The following is an entry in ClinVar:

NM_001164508.2(NEB):c.24433G>A (p.Ala8145Thr)

Genes: NEB (nebulin; minus strand), RIF1 (replication timing regulatory factor 1; plus strand). Cytogenetic location: 2q23.3.
Variant type: single nucleotide variant.
Coding change: c.24433G>A on transcript NM_001164508.2 (MANE Select); coding-DNA position 24433, G replaced by A.
Protein change: p.Ala8145Thr; replaces alanine 8145 with threonine.
Molecular consequence: missense variant.
Genome position (GRCh38, 1-based): chr2:151,496,329, C>T on the plus strand (G>A on the coding strand, the complement: NEB is on the minus strand). VCF-style: chr2-151496329-C-T. GRCh37 (hg19) VCF-style: chr2-152352843-C-T.
Other names: c.24433G>A, p.Ala8145Thr (NM_001164507.2); c.24538G>A, p.Ala8180Thr (NM_001271208.2); c.18865G>A, p.Ala6289Thr (NM_004543.5); short protein forms A8145T, A8180T, A6289T.
Identifiers: ClinVar variation 1948312 (VCV001948312.2), dbSNP rs7575451, ClinGen allele CA348778357.
Genomic context (GRCh38, chr2:151,496,329, plus strand): 5'-CAAGTACCGAGCTAATATTTTCTTGATTGTGTTTGACTCGCTCCATCTCGGGAGTGACAG[C>T]TAAAGGAGTTCCCTTGCCCATGTTTTCTTTGTATAACACCTGTGCGATGAGAAAGCATCC-3'
Protein context (NP_001157980.2, residues 8135-8155): KENMGKGTPL[Ala8145Thr]VTPEMERVKH

ClinVar aggregate classification (germline): Uncertain significance (1 of 4 stars; one submission).

Conditions:
Nemaline myopathy 2 (NEM2). Also called: Nemaline myopathy 2, autosomal recessive. Identifiers: MedGen C1850569, MONDO:0009725, OMIM 256030.

gnomAD v4.1: 1 of 1,611,018 alleles (0.000062%); highest among the groups gnomAD compares: Non-Finnish European, 0.000085%; no homozygotes.

Submission:

Labcorp Genetics (formerly Invitae), Labcorp
Classification: Uncertain significance for Nemaline myopathy 2. Last evaluated: 2021-05-05. Review status: criteria provided, single submitter. Criteria: Invitae Variant Classification Sherloc (09022015). Collection method: clinical testing. Allele origin: germline.
Comment: This sequence change replaces alanine with threonine at codon 8180 of the NEB protein (p.Ala8180Thr). The alanine residue is weakly conserved and there is a small physicochemical difference between alanine and threonine. This variant is not present in population databases (ExAC no frequency). This variant has not been reported in the literature in individuals with NEB-related conditions. Algorithms developed to predict the effect of missense changes on protein structure and function are either unavailable or do not agree on the potential impact of this missense change (SIFT: "Deleterious"; PolyPhen-2: "Not Available"; Align-GVGD: "Class C0"). In summary, the available evidence is currently insufficient to determine the role of this variant in disease. Therefore, it has been classified as a Variant of Uncertain Significance.